The following is an entry in ClinVar:

ClinVar aggregate classification (germline): Likely benign. Review status: criteria provided, single submitter (1 of 4 stars). 2 submissions from 2 submitters: Likely benign (1). 1 of the submissions does not count toward it. Last evaluated 2023-06-29.

Conditions:
INF2-related disorder. Also called: INF2-related condition.
Focal segmental glomerulosclerosis 5 (FSGS5). Identifiers: Orphanet 656, MedGen C2750475, MONDO:0013191, OMIM 613237.
Charcot-Marie-Tooth disease dominant intermediate E. Also called: CHARCOT-MARIE-TOOTH NEUROPATHY WITH FOCAL SEGMENTAL GLOMERULONEPHRITIS. Identifiers: Orphanet 93114, MedGen C4302667, MONDO:0013758, OMIM 614455.

Allele frequency attached by ClinVar (database versions not stated): TOPMed below 0.00001; gnomAD 0.00001; gnomAD exomes 0.00001; ExAC 0.00002.

Submissions (2):

Labcorp Genetics (formerly Invitae), Labcorp
Classification: Likely benign for Charcot-Marie-Tooth disease dominant intermediate E; Focal segmental glomerulosclerosis 5. Last evaluated: 2023-06-29. Review status: criteria provided, single submitter. Criteria: Invitae Variant Classification Sherloc (09022015). Collection method: clinical testing. Allele origin: germline.

PreventionGenetics, part of Exact Sciences
Classification: Likely benign for INF2-related condition. Last evaluated: 2022-04-11. Review status: no assertion criteria provided. Collection method: clinical testing. Allele origin: germline. Not counted in ClinVar's aggregate classification.
Comment: This variant is classified as likely benign based on ACMG/AMP sequence variant interpretation guidelines (Richards et al. 2015 PMID: 25741868, with internal and published modifications).

NM_022489.4(INF2):c.303C>T (p.Cys101=)

Gene: INF2 (inverted formin 2; plus strand). Cytogenetic location: 14q32.33.
Variant type: single nucleotide variant.
Coding change: c.303C>T on transcript NM_022489.4 (MANE Select); coding-DNA position 303, C replaced by T.
Protein change: p.Cys101=; no amino-acid change (cysteine 101 retained).
Molecular consequence: synonymous variant.
Genome position (GRCh38, 1-based): chr14:104,701,668, C>T. VCF-style: chr14-104701668-C-T. GRCh37 (hg19) VCF-style: chr14-105168005-C-T.
Other names: c.303C>T (NM_022489.3); c.303C>T, p.Cys101= (NM_001031714.4, NM_001426862.1, NM_001426863.1 and 6 more transcripts).
Identifiers: ClinVar variation 2923991 (VCV002923991.5), dbSNP rs779780698, ClinGen allele CA7372263.